The following is an entry in ClinVar:

NM_002473.6(MYH9):c.364A>G (p.Asn122Asp)

Gene: MYH9 (myosin heavy chain 9; minus strand). Cytogenetic location: 22q12.3.
Variant type: single nucleotide variant.
Coding change: c.364A>G on transcript NM_002473.6 (MANE Select); coding-DNA position 364, A replaced by G.
Protein change: p.Asn122Asp; replaces asparagine 122 with aspartic acid.
Molecular consequence: missense variant.
Genome position (GRCh38, 1-based): chr22:36,341,496, T>C on the plus strand (A>G on the coding strand, the complement: MYH9 is on the minus strand). VCF-style: chr22-36341496-T-C. GRCh37 (hg19) VCF-style: chr22-36737541-T-C.
Other names: short protein forms N122D.
Identifiers: ClinVar variation 3066225 (VCV003066225.1), dbSNP rs2518014383, ClinGen allele CA411548941.

ClinVar aggregate classification (germline): Likely pathogenic (1 of 4 stars; one submission).

Conditions:
Macrothrombocytopenia and granulocyte inclusions with or without nephritis or sensorineural hearing loss (MATINS). Also called: BLEEDING DISORDER, PLATELET-TYPE, 6; MAY-HEGGLIN ANOMALY; DOHLE LEUKOCYTE INCLUSIONS WITH GIANT PLATELETS; SEBASTIAN PLATELET SYNDROME; MACROTHROMBOCYTOPENIA WITH DISPERSED LEUKOCYTIC INCLUSIONS; MACROTHROMBOCYTOPENIA, NEPHRITIS, AND DEAFNESS. Identifiers: Orphanet 182050, MedGen C5200934, MONDO:0015912, OMIM 155100.

Submission:

MVZ Medizinische Genetik Mainz
Classification: Likely pathogenic for Macrothrombocytopenia and granulocyte inclusions with or without nephritis or sensorineural hearing loss. Last evaluated: 2023-06-12. Review status: criteria provided, single submitter. Criteria: UK Practice Guidelines For Variant Classification V4 01 2020. Collection method: clinical testing. Allele origin: germline. Inheritance: Autosomal dominant inheritance. Affected: yes. Observed: 1 variant allele.
Comment: ACMG Criteria: PP3_STR,PM2_SUP